The following is an entry in ClinVar:

NM_139119.3(YY1AP1):c.2073A>G (p.Gly691=)

Gene: YY1AP1 (YY1 associated protein 1; minus strand). Cytogenetic location: 1q22.
Variant type: single nucleotide variant.
Coding change: c.2073A>G on transcript NM_139119.3 (MANE Select); coding-DNA position 2073, A replaced by G.
Protein change: p.Gly691=; no amino-acid change (glycine 691 retained).
Molecular consequence: synonymous variant. On other transcripts: 3 prime UTR variant (1).
Genome position (GRCh38, 1-based): chr1:155,659,837, T>C on the plus strand (A>G on the coding strand, the complement: YY1AP1 is on the minus strand). VCF-style: chr1-155659837-T-C. GRCh37 (hg19) VCF-style: chr1-155629628-T-C.
Other names: c.2040A>G, p.Gly680= (NM_001198899.2, NM_001198900.2, NM_018253.4); c.2073A>G, p.Gly691= (NM_001198901.2, NM_001198902.2); c.2487A>G, p.Gly829= (NM_001198903.1); c.2427A>G, p.Gly809= (NM_001198904.1); c.2013A>G, p.Gly671= (NM_001198905.2); c.*1016A>G (NM_001198906.2); c.2211A>G, p.Gly737= (NM_139118.3); c.1875A>G, p.Gly625= (NM_139121.3).
Identifiers: ClinVar variation 3054037 (VCV003054037.2), dbSNP rs1352962597, ClinGen allele CA421251657.

ClinVar aggregate classification (germline): Likely benign (0 of 4 stars; one submission).

Conditions:
YY1AP1-related disorder. Also called: YY1AP1-related condition.

Allele frequency attached by ClinVar (database versions not stated): gnomAD exomes below 0.00001; gnomAD 0.00001; TOPMed 0.00001.
gnomAD v4.1: 2 of 1,614,096 alleles (0.00012%); highest among the groups gnomAD compares: Non-Finnish European, 0.00017%; no homozygotes.

Submission:

PreventionGenetics, part of Exact Sciences
Classification: Likely benign for YY1AP1-related condition. Last evaluated: 2023-10-19. Review status: no assertion criteria provided. Collection method: clinical testing. Allele origin: germline.
Comment: This variant is classified as likely benign based on ACMG/AMP sequence variant interpretation guidelines (Richards et al. 2015 PMID: 25741868, with internal and published modifications).